The following is an entry in ClinVar:

ClinVar aggregate classification (germline): Conflicting classifications of pathogenicity. Review status: criteria provided, conflicting classifications (1 of 4 stars). 4 submissions from 4 submitters: Uncertain significance (1); Likely benign (3). Last evaluated 2025-11-12.

Conditions:
Spastic paraplegia. Identifiers: MedGen C0037772, HP:0001258.
Hereditary spastic paraplegia 10 (SPG10). Also called: SPASTIC PARAPLEGIA 10, AUTOSOMAL DOMINANT; SPASTIC PARAPLEGIA 10 WITH OR WITHOUT PERIPHERAL NEUROPATHY; SPASTIC PARAPLEGIA 10 WITH PERIPHERAL NEUROPATHY. Identifiers: Orphanet 100991, MedGen C1858712, MONDO:0011408, OMIM 604187.

Allele frequency attached by ClinVar (database versions not stated): gnomAD 0.00005 and 0.00006; TOPMed 0.00006; ESP Exome Variant Server 0.00015.
gnomAD v4.1: 121 of 1,613,920 alleles (0.0075%); highest among the groups gnomAD compares: Non-Finnish European, 0.0093%; no homozygotes.

Submissions (4):

Labcorp Genetics (formerly Invitae), Labcorp
Classification: Likely benign for Spastic paraplegia. Last evaluated: 2025-11-12. Review status: criteria provided, single submitter. Criteria: Invitae Variant Classification Sherloc (09022015). Collection method: clinical testing. Allele origin: germline.

Blueprint Genetics
Classification: Likely benign. Last evaluated: 2023-12-14. Review status: criteria provided, single submitter. Criteria: ACMG Guidelines, 2015. Collection method: clinical testing. Allele origin: germline.

CeGaT Center for Human Genetics Tuebingen
Classification: Likely benign. Last evaluated: 2022-11-01. Review status: criteria provided, single submitter. Criteria: CeGaT Center For Human Genetics Tuebingen Variant Classification Criteria Version 2. Collection method: clinical testing. Allele origin: germline. Affected: yes. Observed: 2 variant alleles.
Comment: KIF5A: BP4

Illumina Laboratory Services, Illumina
Classification: Uncertain significance for Hereditary spastic paraplegia 10. Last evaluated: 2018-01-13. Review status: criteria provided, single submitter. Criteria: ICSL Variant Classification Criteria 13 December 2019. Collection method: clinical testing. Allele origin: germline.

NM_004984.4(KIF5A):c.2953G>A (p.Gly985Ser)

Gene: KIF5A (kinesin family member 5A; plus strand). Cytogenetic location: 12q13.3.
Variant type: single nucleotide variant.
Coding change: c.2953G>A on transcript NM_004984.4 (MANE Select); coding-DNA position 2953, G replaced by A.
Protein change: p.Gly985Ser; replaces glycine 985 with serine.
Molecular consequence: missense variant.
Genome position (GRCh38, 1-based): chr12:57,581,913, G>A. VCF-style: chr12-57581913-G-A. GRCh37 (hg19) VCF-style: chr12-57975696-G-A.
Other names: c.2686G>A, p.Gly896Ser (NM_001354705.2); short protein forms G985S, G896S.
Identifiers: ClinVar variation 884069 (VCV000884069.43), dbSNP rs371548640, ClinGen allele CA6653258.